The following is an entry in ClinVar:

NM_000038.6(APC):c.4590A>G (p.Glu1530=)

Gene: APC (APC regulator of Wnt signaling pathway; plus strand). Cytogenetic location: 5q22.2.
Variant type: single nucleotide variant.
Coding change: c.4590A>G on transcript NM_000038.6 (MANE Select); coding-DNA position 4590, A replaced by G.
Protein change: p.Glu1530=; no amino-acid change (glutamic acid 1530 retained).
Molecular consequence: synonymous variant.
Genome position (GRCh38, 1-based): chr5:112,840,184, A>G. VCF-style: chr5-112840184-A-G. GRCh37 (hg19) VCF-style: chr5-112175881-A-G.
Other names: c.4590A>G, p.Glu1530= (NM_001127510.3, NM_001354895.2); c.4536A>G, p.Glu1512= (NM_001127511.3); c.4644A>G, p.Glu1548= (NM_001354896.2); c.4620A>G, p.Glu1540= (NM_001354897.2); c.4515A>G, p.Glu1505= (NM_001354898.2); c.4506A>G, p.Glu1502= (NM_001354899.2); c.4467A>G, p.Glu1489= (NM_001354900.2); c.4413A>G, p.Glu1471= (NM_001354901.2); and 5 more.
Identifiers: ClinVar variation 482399 (VCV000482399.56), dbSNP rs1233687155, ClinGen allele CA446206609.

ClinVar aggregate classification (germline): Benign/Likely benign. Review status: criteria provided, multiple submitters, no conflicts (2 of 4 stars). 5 submissions from 5 submitters: Benign (1); Likely benign (4). Last evaluated 2026-01-04.

Conditions:
Hereditary cancer-predisposing syndrome. Also called: Neoplastic Syndromes, Hereditary; Tumor predisposition; Hereditary Cancer Syndrome; Hereditary neoplastic syndrome. Identifiers: Orphanet 140162, MedGen C0027672, MeSH D009386, MONDO:0015356.
Familial adenomatous polyposis 1 (FAP1). Also called: FAMILIAL ADENOMATOUS POLYPOSIS 1, ATTENUATED; POLYPOSIS, ADENOMATOUS INTESTINAL. Identifiers: MedGen C2713442, MONDO:0021056, OMIM 175100. Disease mechanism: loss of function.

Allele frequency attached by ClinVar (database versions not stated): gnomAD exomes below 0.00001.
gnomAD v4.1: 1 of 1,614,242 alleles (0.000062%); highest among the groups gnomAD compares: Non-Finnish European, 0.000085%; no homozygotes.

Submissions (5):

Labcorp Genetics (formerly Invitae), Labcorp
Classification: Likely benign for Familial adenomatous polyposis 1. Last evaluated: 2026-01-04. Review status: criteria provided, single submitter. Criteria: Invitae Variant Classification Sherloc (09022015). Collection method: clinical testing. Allele origin: germline.

Center for Genomic Medicine, Rigshospitalet, Copenhagen University Hospital
Classification: Likely benign. Last evaluated: 2025-03-04. Review status: criteria provided, single submitter. Criteria: ACMG Guidelines, 2015. Collection method: clinical testing. Allele origin: germline.

Myriad Genetics, Inc.
Classification: Benign for Familial adenomatous polyposis 1. Last evaluated: 2024-03-27. Review status: criteria provided, single submitter. Criteria: Myriad Autosomal Dominant, Autosomal Recessive and X-Linked Classification Criteria (2023). Collection method: clinical testing. Allele origin: unknown.
Comment: This variant is considered benign. This variant is a silent/synonymous amino acid change and it is not expected to impact splicing.

GeneDx
Classification: Likely benign. Last evaluated: 2017-04-05. Review status: criteria provided, single submitter. Criteria: GeneDx Variant Classification (06012015). Collection method: clinical testing. Allele origin: germline. Affected: yes.
Comment: This variant is considered likely benign or benign based on one or more of the following criteria: it is a conservative change, it occurs at a poorly conserved position in the protein, it is predicted to be benign by multiple in silico algorithms, and/or has population frequency not consistent with disease.

Ambry Genetics
Classification: Likely benign for Hereditary cancer-predisposing syndrome. Last evaluated: 2016-08-11. Review status: criteria provided, single submitter. Criteria: Ambry Variant Classification Scheme 2023. Collection method: clinical testing. Allele origin: germline.